The following is an entry in ClinVar:

ClinVar aggregate classification (germline): Uncertain significance (1 of 4 stars; one submission).

Conditions:
Charcot-Marie-Tooth disease axonal type 2O. Also called: CHARCOT-MARIE-TOOTH NEUROPATHY, AXONAL, TYPE 2O; CHARCOT-MARIE-TOOTH DISEASE, AXONAL, AUTOSOMAL DOMINANT, TYPE 2O; Charcot-Marie-Tooth Neuropathy Type 2O; Charcot-Marie-Tooth disease, axonal, type 20. Identifiers: Orphanet 284232, MedGen C3280220, MONDO:0013644, OMIM 614228.

gnomAD v4.1: 3 of 1,614,254 alleles (0.00019%); highest among the groups gnomAD compares: South Asian, 0.0022%; no homozygotes.

Submission:

Labcorp Genetics (formerly Invitae), Labcorp
Classification: Uncertain significance for Charcot-Marie-Tooth disease axonal type 2O. Last evaluated: 2024-03-15. Review status: criteria provided, single submitter. Criteria: Invitae Variant Classification Sherloc (09022015). Collection method: clinical testing. Allele origin: germline.
Comment: This sequence change replaces asparagine, which is neutral and polar, with serine, which is neutral and polar, at codon 1070 of the DYNC1H1 protein (p.Asn1070Ser). This variant is not present in population databases (gnomAD no frequency). This variant has not been reported in the literature in individuals affected with DYNC1H1-related conditions. Advanced modeling of protein sequence and biophysical properties (such as structural, functional, and spatial information, amino acid conservation, physicochemical variation, residue mobility, and thermodynamic stability) performed at Invitae indicates that this missense variant is not expected to disrupt DYNC1H1 protein function with a negative predictive value of 95%. In summary, the available evidence is currently insufficient to determine the role of this variant in disease. Therefore, it has been classified as a Variant of Uncertain Significance.

NM_001376.5(DYNC1H1):c.3209A>G (p.Asn1070Ser)

Gene: DYNC1H1 (dynein cytoplasmic 1 heavy chain 1; plus strand). Cytogenetic location: 14q32.31.
Variant type: single nucleotide variant.
Coding change: c.3209A>G on transcript NM_001376.5 (MANE Select); coding-DNA position 3209, A replaced by G.
Protein change: p.Asn1070Ser; replaces asparagine 1070 with serine.
Molecular consequence: missense variant.
Genome position (GRCh38, 1-based): chr14:101,994,725, A>G. VCF-style: chr14-101994725-A-G. GRCh37 (hg19) VCF-style: chr14-102461062-A-G.
Other names: short protein forms N1070S.
Identifiers: ClinVar variation 3674725 (VCV003674725.2).